The following is an entry in ClinVar:

ClinVar aggregate classification (germline): Uncertain significance. Review status: criteria provided, multiple submitters, no conflicts (2 of 4 stars). 2 submissions from 2 submitters: Uncertain significance (2). Last evaluated 2022-07-12.

Conditions:
Hereditary cancer-predisposing syndrome. Also called: Hereditary Cancer Syndrome; Neoplastic Syndromes, Hereditary; Tumor predisposition; Hereditary neoplastic syndrome. Identifiers: Orphanet 140162, MedGen C0027672, MeSH D009386, MONDO:0015356.
Juvenile polyposis syndrome (JPS). Identifiers: Orphanet 2929, MedGen C0345893, MONDO:0017380, OMIM 174900.

Allele frequency attached by ClinVar (database versions not stated): gnomAD exomes below 0.00001 and 0.00001; ExAC 0.00001.
gnomAD v4.1: 4 of 1,614,184 alleles (0.00025%); highest among the groups gnomAD compares: Non-Finnish European, 0.00025%; no homozygotes.

Submissions (2):

Labcorp Genetics (formerly Invitae), Labcorp
Classification: Uncertain significance for Juvenile polyposis syndrome. Last evaluated: 2022-07-12. Review status: criteria provided, single submitter. Criteria: Invitae Variant Classification Sherloc (09022015). Collection method: clinical testing. Allele origin: germline.
Comment: In summary, the available evidence is currently insufficient to determine the role of this variant in disease. Therefore, it has been classified as a Variant of Uncertain Significance. Advanced modeling of protein sequence and biophysical properties (such as structural, functional, and spatial information, amino acid conservation, physicochemical variation, residue mobility, and thermodynamic stability) performed at Invitae indicates that this missense variant is not expected to disrupt SMAD4 protein function. ClinVar contains an entry for this variant (Variation ID: 630392). This variant has not been reported in the literature in individuals affected with SMAD4-related conditions. This variant is present in population databases (rs748615724, gnomAD 0.0009%). This sequence change replaces glutamic acid, which is acidic and polar, with alanine, which is neutral and non-polar, at codon 205 of the SMAD4 protein (p.Glu205Ala).

Color Diagnostics, LLC DBA Color Health
Classification: Uncertain significance for Hereditary cancer-predisposing syndrome. Last evaluated: 2019-04-04. Review status: criteria provided, single submitter. Criteria: ACMG Guidelines, 2015. Collection method: clinical testing. Allele origin: germline.

NM_005359.6(SMAD4):c.614A>C (p.Glu205Ala)

Gene: SMAD4 (SMAD family member 4; plus strand). Cytogenetic location: 18q21.2.
Variant type: single nucleotide variant.
Coding change: c.614A>C on transcript NM_005359.6 (MANE Select); coding-DNA position 614, A replaced by C.
Protein change: p.Glu205Ala; replaces glutamic acid 205 with alanine.
Molecular consequence: missense variant.
Genome position (GRCh38, 1-based): chr18:51,054,940, A>C. VCF-style: chr18-51054940-A-C. GRCh37 (hg19) VCF-style: chr18-48581310-A-C.
Other names: short protein forms E205A.
Identifiers: ClinVar variation 630392 (VCV000630392.13), dbSNP rs748615724, ClinGen allele CA8965839.